The following is an entry in ClinVar:

ClinVar aggregate classification (germline): Pathogenic/Likely pathogenic. Review status: criteria provided, multiple submitters, no conflicts (2 of 4 stars). 3 submissions from 3 submitters: Pathogenic (2); Likely pathogenic (1). Last evaluated 2024-12-26.

Conditions:
Usher syndrome type 2C. Also called: USHER SYNDROME, TYPE IIC; Usher syndrome, type 2B. Identifiers: Orphanet 231178, Orphanet 886, MedGen C2931213, MONDO:0011558, OMIM 605472.
Usher syndrome. Also called: Usher's syndrome; Usher Syndromes. Identifiers: Orphanet 886, MedGen CN469326, MeSH D052245, MONDO:0019501. Disease mechanism: loss of function.

Submissions (3):

Women's Health and Genetics/Laboratory Corporation of America, LabCorp
Classification: Pathogenic for Usher syndrome. Last evaluated: 2024-12-26. Review status: criteria provided, single submitter. Criteria: LabCorp Variant Classification Summary - May 2015. Collection method: clinical testing. Allele origin: germline.
Comment: Variant summary: ADGRV1 c.6610C>T (p.Gln2204X) results in a premature termination codon, predicted to cause a truncation of the encoded protein or absence of the protein due to nonsense mediated decay, which are commonly known mechanisms for disease. The variant was absent in 240008 control chromosomes (gnomAD). c.6610C>T has been reported in the literature in individuals affected with non-syndromic hearing loss (Shatokhina_2022). The report does not provide unequivocal conclusions about association of the variant with Usher Syndrome. To our knowledge, no experimental evidence demonstrating an impact on protein function has been reported. The following publication have been ascertained in the context of this evaluation (PMID: 36555390). ClinVar contains an entry for this variant (Variation ID: 1447059). Based on the evidence outlined above, the variant was classified as pathogenic.

The Shared Resource Centre "Genome", Research Centre for Medical Genetics
Classification: Likely pathogenic for Usher syndrome type 2C. Last evaluated: 2022-11-10. Review status: criteria provided, single submitter. Criteria: ACMG Guidelines, 2015. Collection method: clinical testing. Allele origin: germline. Affected: yes. Observed: 1 variant allele.

Labcorp Genetics (formerly Invitae), Labcorp
Classification: Pathogenic. Last evaluated: 2021-03-17. Review status: criteria provided, single submitter. Criteria: Invitae Variant Classification Sherloc (09022015). Collection method: clinical testing. Allele origin: germline.
Comment: For these reasons, this variant has been classified as Pathogenic. Algorithms developed to predict the effect of sequence changes on RNA splicing suggest that this variant may create or strengthen a splice site, but this prediction has not been confirmed by published transcriptional studies. This variant has not been reported in the literature in individuals with ADGRV1-related conditions. This variant is not present in population databases (ExAC no frequency). This sequence change creates a premature translational stop signal (p.Gln2204*) in the ADGRV1 gene. It is expected to result in an absent or disrupted protein product. Loss-of-function variants in ADGRV1 are known to be pathogenic (PMID: 19357117, 22135276, 22147658, 26667666, 30029497).

Literature cited by the submitters: PubMed 36555390 (cited by Women's Health and Genetics/Laboratory Corporation of America, LabCorp); PubMed 19357117 (cited by Labcorp Genetics (formerly Invitae), Labcorp); PubMed 22135276 (cited by Labcorp Genetics (formerly Invitae), Labcorp); PubMed 22147658 (cited by Labcorp Genetics (formerly Invitae), Labcorp); PubMed 26667666 (cited by Labcorp Genetics (formerly Invitae), Labcorp); PubMed 30029497 (cited by Labcorp Genetics (formerly Invitae), Labcorp).

NM_032119.4(ADGRV1):c.6610C>T (p.Gln2204Ter)

Gene: ADGRV1 (adhesion G protein-coupled receptor V1; plus strand). Cytogenetic location: 5q14.3.
Variant type: single nucleotide variant.
Coding change: c.6610C>T on transcript NM_032119.4 (MANE Select); coding-DNA position 6610, C replaced by T.
Protein change: p.Gln2204Ter; replaces glutamine 2204 with a stop codon.
Molecular consequence: nonsense. On other transcripts: non-coding transcript variant (1).
Genome position (GRCh38, 1-based): chr5:90,689,980, C>T. VCF-style: chr5-90689980-C-T. GRCh37 (hg19) VCF-style: chr5-89985797-C-T.
Other names: short protein forms Q2204*.
Identifiers: ClinVar variation 1447059 (VCV001447059.10), dbSNP rs1053590019, ClinGen allele CA360366505.
Genomic context (GRCh38, chr5:90,689,980, plus strand): 5'-GCCGTGCCAATATATGTCATTAATGATATCTATCCTGAACTGGAAGAATCTTTTCTTGTG[C>T]AACTGATGAATGAAACAACAGGAGGAGCCAGACTAGGGGCTTTAACAGAGGCAGTCATTA-3'